The following is an entry in ClinVar:

NM_000548.5(TSC2):c.4140_4166dup (p.Pro1381_Pro1389dup)

Gene: TSC2 (TSC complex subunit 2; plus strand). Cytogenetic location: 16p13.3.
Variant type: Duplication.
Coding change: c.4140_4166dup on transcript NM_000548.5 (MANE Select); coding-DNA positions 4140 to 4166, 27 bases duplicated (GCCCCTGAGCAAGTCCAGCTCCTCTCC).
Protein change: p.Pro1381_Pro1389dup.
Molecular consequence: inframe insertion.
Genome position (GRCh38, 1-based): chr16:2,084,362-2,084,388, GCCCCTGAGCAAGTCCAGCTCCTCTCC duplicated. VCF-style (leftmost placement, unchanged base first): chr16-2084361-A-AGCCCCTGAGCAAGTCCAGCTCCTCTCC. GRCh37 (hg19) VCF-style: chr16-2134362-A-AGCCCCTGAGCAAGTCCAGCTCCTCTCC.
Other names: c.3939_3965dup, p.Pro1314_Pro1322dup (NM_001077183.3); c.4071_4097dup, p.Pro1358_Pro1366dup (NM_001114382.3); c.3831_3857dup, p.Pro1278_Pro1286dup (NM_001318827.2); c.3795_3821dup, p.Pro1266_Pro1274dup (NM_001318829.2); c.3408_3434dup, p.Pro1137_Pro1145dup (NM_001318831.2); c.3972_3998dup, p.Pro1325_Pro1333dup (NM_001318832.2); c.3942_3968dup, p.Pro1315_Pro1323dup (NM_001363528.2); c.4008_4034dup, p.Pro1337_Pro1345dup (NM_001370404.1); and 2 more.
Identifiers: ClinVar variation 535853 (VCV000535853.11), dbSNP rs1555514052, ClinGen allele CA658798480.
Genomic context (GRCh38, chr16:2,084,361, plus strand): 5'-AGCGAGTCGTCTCCTCGGAGGGTGGCCGGCCCTCTGTGGACCTCTCCTTCCAGCCCTCGC[A>AGCCCCTGAGCAAGTCCAGCTCCTCTCC]GCCCCTGAGCAAGTCCAGCTCCTCTCCCGAGCTGCAGACTCTGCAGGACATCCTCGGGGA-3'

ClinVar aggregate classification (germline): Uncertain significance. Review status: criteria provided, multiple submitters, no conflicts (2 of 4 stars). 2 submissions from 2 submitters: Uncertain significance (2). Last evaluated 2025-07-06.

Conditions:
Tuberous sclerosis 2 (TSC2). Identifiers: Orphanet 805, MedGen C1860707, MONDO:0013199, OMIM 613254.
Hereditary cancer-predisposing syndrome. Also called: Neoplastic Syndromes, Hereditary; Hereditary neoplastic syndrome; Tumor predisposition; Hereditary Cancer Syndrome. Identifiers: Orphanet 140162, MedGen C0027672, MeSH D009386, MONDO:0015356.

Allele frequency attached by ClinVar (database versions not stated): TOPMed below 0.00001.

Submissions (2):

Labcorp Genetics (formerly Invitae), Labcorp
Classification: Uncertain significance for Tuberous sclerosis 2. Last evaluated: 2025-07-06. Review status: criteria provided, single submitter. Criteria: Invitae Variant Classification Sherloc (09022015). Collection method: clinical testing. Allele origin: germline.
Comment: This variant, c.4140_4166dup, results in the insertion of 9 amino acid(s) of the TSC2 protein (p.Pro1381_Pro1389dup), but otherwise preserves the integrity of the reading frame. This variant is not present in population databases (gnomAD no frequency). This variant has not been reported in the literature in individuals affected with TSC2-related conditions. ClinVar contains an entry for this variant (Variation ID: 535853). Experimental studies and prediction algorithms are not available or were not evaluated, and the functional significance of this variant is currently unknown. In summary, the available evidence is currently insufficient to determine the role of this variant in disease. Therefore, it has been classified as a Variant of Uncertain Significance.

Ambry Genetics
Classification: Uncertain significance for Hereditary cancer-predisposing syndrome. Last evaluated: 2023-11-16. Review status: criteria provided, single submitter. Criteria: Ambry Variant Classification Scheme 2023. Collection method: clinical testing. Allele origin: germline.
Comment: The c.4140_4166dup27 variant (also known as p.P1381_P1389dup), located in coding exon 33 of the TSC2 gene, results from an in-frame duplication of 27 nucleotides at nucleotide positions 4140 to 4166. This results in the duplication of 9 extra residues (PLSKSSSSP) between codons 1381 and 1389. This amino acid region is well conserved in available vertebrate species. In addition, this alteration is predicted to be neutral by in silico analysis (Choi Y et al. PLoS ONE. 2012; 7(10):e46688). Since supporting evidence is limited at this time, the clinical significance of this alteration remains unclear.